The following is an entry in ClinVar:

ClinVar aggregate classification (germline): Uncertain significance (1 of 4 stars; one submission).

Conditions:
Hereditary cancer-predisposing syndrome. Also called: Tumor predisposition; Neoplastic Syndromes, Hereditary; Hereditary neoplastic syndrome; Hereditary Cancer Syndrome. Identifiers: Orphanet 140162, MedGen C0027672, MeSH D009386, MONDO:0015356.

Submission:

Ambry Genetics
Classification: Uncertain significance for Hereditary cancer-predisposing syndrome. Last evaluated: 2024-10-11. Review status: criteria provided, single submitter. Criteria: Ambry Variant Classification Scheme 2023. Collection method: clinical testing. Allele origin: germline.
Comment: The p.N416H variant (also known as c.1246A>C), located in coding exon 9 of the SDHA gene, results from an A to C substitution at nucleotide position 1246. The asparagine at codon 416 is replaced by histidine, an amino acid with similar properties. This amino acid position is conserved. In addition, the in silico prediction for this alteration is inconclusive. Based on the available evidence, the clinical significance of this variant remains unclear.

NM_004168.4(SDHA):c.1246A>C (p.Asn416His)

Gene: SDHA (succinate dehydrogenase complex flavoprotein subunit A; plus strand). Cytogenetic location: 5p15.33.
Variant type: single nucleotide variant.
Coding change: c.1246A>C on transcript NM_004168.4 (MANE Select); coding-DNA position 1246, A replaced by C.
Protein change: p.Asn416His; replaces asparagine 416 with histidine.
Molecular consequence: missense variant.
Genome position (GRCh38, 1-based): chr5:235,325, A>C. VCF-style: chr5-235325-A-C. GRCh37 (hg19) VCF-style: chr5-235440-A-C.
Other names: c.1102A>C, p.Asn368His (NM_001294332.2); c.1246A>C, p.Asn416His (NM_001330758.2); short protein forms N416H, N368H.
Identifiers: ClinVar variation 3438703 (VCV003438703.1).